The following is an entry in ClinVar:

NM_000238.4(KCNH2):c.1811G>T (p.Gly604Val)

Gene: KCNH2 (potassium voltage-gated channel subfamily H member 2; minus strand). Cytogenetic location: 7q36.1.
Variant type: single nucleotide variant.
Coding change: c.1811G>T on transcript NM_000238.4 (MANE Select); coding-DNA position 1811, G replaced by T.
Protein change: p.Gly604Val; replaces glycine 604 with valine.
Molecular consequence: missense variant.
Genome position (GRCh38, 1-based): chr7:150,951,582, C>A on the plus strand (G>T on the coding strand, the complement: KCNH2 is on the minus strand). VCF-style: chr7-150951582-C-A. GRCh37 (hg19) VCF-style: chr7-150648670-C-A.
Other names: p.G604V:GGC>GTC; c.791G>T, p.Gly264Val (NM_001204798.2, NM_172057.3); c.1523G>T, p.Gly508Val (NM_001406753.1, NM_001406756.1); c.1634G>T, p.Gly545Val (NM_001406755.1); c.1511G>T, p.Gly504Val (NM_001406757.1); c.1811G>T, p.Gly604Val (NM_172056.3); short protein forms G264V, G604V, G504V, G545V, G508V.
Identifiers: ClinVar variation 200741 (VCV000200741.4), dbSNP rs199472937, ClinGen allele CA005562.

ClinVar aggregate classification (germline): Likely pathogenic (1 of 4 stars; one submission).

Submission:

GeneDx
Classification: Likely pathogenic. Last evaluated: 2018-01-03. Review status: criteria provided, single submitter. Criteria: GeneDx Variant Classification (06012015). Collection method: clinical testing. Allele origin: germline. Affected: yes.
Comment: The G604V likely pathogenic variant in the KCNH2 gene has not been published as pathogenic or been reported as benign to our knowledge. This variant is not observed in large population cohorts (Lek et al., 2016). Although the G604V variant is a conservative amino acid substitution, which is not likely to impact secondary protein structure as these residues share similar properties, in-silico analyses, including protein predictors and evolutionary conservation, support a deleterious effect. Furthermore, missense variants in the same residue (G604D, G604S) and in nearby residues (S599R, G601S, G601C, P605S, P605L, S606P, S606F) have been reported in the Human Gene Mutation Database in association with LQTS (Stenson et al., 2014), supporting the functional importance of this residue and region of the protein.